The following is an entry in ClinVar:

ClinVar aggregate classification (germline): Conflicting classifications of pathogenicity. Review status: criteria provided, conflicting classifications (1 of 4 stars). 3 submissions from 3 submitters: Uncertain significance (2); Likely benign (1). Last evaluated 2026-07-16.

Conditions:
Hereditary cancer-predisposing syndrome. Also called: Hereditary Cancer Syndrome; Neoplastic Syndromes, Hereditary; Hereditary neoplastic syndrome; Tumor predisposition. Identifiers: Orphanet 140162, MedGen C0027672, MeSH D009386, MONDO:0015356.
Cardiovascular phenotype. Identifiers: MedGen CN230736.

Allele frequency attached by ClinVar (database versions not stated): TOPMed below 0.00001; gnomAD exomes 0.00002 and 0.00001; gnomAD 0.00001; ExAC 0.00002.
gnomAD v4.1: 15 of 1,612,080 alleles (0.00093%); highest among the groups gnomAD compares: Admixed American, 0.0033%; no homozygotes.

Submissions (3):

Ambry Genetics
Classification: Likely benign for Cardiovascular phenotype; Hereditary cancer-predisposing syndrome. Last evaluated: 2026-07-16. Review status: criteria provided, single submitter. Criteria: Ambry Variant Classification Scheme 2023. Collection method: clinical testing. Allele origin: germline.

Labcorp Genetics (formerly Invitae), Labcorp
Classification: Uncertain significance. Last evaluated: 2026-01-24. Review status: criteria provided, single submitter. Criteria: Invitae Variant Classification Sherloc (09022015). Collection method: clinical testing. Allele origin: germline.
Comment: This sequence change replaces alanine, which is neutral and non-polar, with threonine, which is neutral and polar, at codon 838 of the LZTR1 protein (p.Ala838Thr). This variant is present in population databases (rs749366666, gnomAD 0.006%). This variant has not been reported in the literature in individuals affected with LZTR1-related conditions. ClinVar contains an entry for this variant (Variation ID: 1418461). Invitae Evidence Modeling of protein sequence and biophysical properties (such as structural, functional, and spatial information, amino acid conservation, physicochemical variation, residue mobility, and thermodynamic stability) indicates that this missense variant is not expected to disrupt LZTR1 protein function with a negative predictive value of 80%. In summary, the available evidence is currently insufficient to determine the role of this variant in disease. Therefore, it has been classified as a Variant of Uncertain Significance.

GeneDx
Classification: Uncertain significance. Last evaluated: 2024-02-05. Review status: criteria provided, single submitter. Criteria: GeneDx Variant Classification Process June 2021. Collection method: clinical testing. Allele origin: germline. Affected: yes.
Comment: In silico analysis supports that this missense variant does not alter protein structure/function; Has not been previously published as pathogenic or benign to our knowledge

NM_006767.4(LZTR1):c.2512G>A (p.Ala838Thr)

Gene: LZTR1 (leucine zipper like post translational regulator 1; plus strand). Cytogenetic location: 22q11.21.
Variant type: single nucleotide variant.
Coding change: c.2512G>A on transcript NM_006767.4 (MANE Select); coding-DNA position 2512, G replaced by A.
Protein change: p.Ala838Thr; replaces alanine 838 with threonine.
Molecular consequence: missense variant.
Genome position (GRCh38, 1-based): chr22:20,997,337, G>A. VCF-style: chr22-20997337-G-A. GRCh37 (hg19) VCF-style: chr22-21351626-G-A.
Other names: short protein forms A838T.
Identifiers: ClinVar variation 1418461 (VCV001418461.11), dbSNP rs749366666, ClinGen allele CA10119485.